The following is an entry in ClinVar:

ClinVar aggregate classification (germline): Uncertain significance (1 of 4 stars; one submission).

Conditions:
CEP164-related disorder. Also called: CEP164-related condition.

Submission:

PreventionGenetics, part of Exact Sciences
Classification: Uncertain significance for CEP164-related condition. Last evaluated: 2024-12-28. Review status: criteria provided, single submitter. Criteria: ACMG Guidelines, 2015. Collection method: clinical testing. Allele origin: germline.
Comment: The CEP164 c.46G>A variant is predicted to result in the amino acid substitution p.Glu16Lys. To our knowledge, this variant has not been reported in the literature or in a large population database (gnomAD), indicating this variant is rare. At this time, the clinical significance of this variant is uncertain due to the absence of conclusive functional and genetic evidence.

NM_014956.5(CEP164):c.46G>A (p.Glu16Lys)

Gene: CEP164 (centrosomal protein 164; plus strand). Cytogenetic location: 11q23.3.
Variant type: single nucleotide variant.
Coding change: c.46G>A on transcript NM_014956.5 (MANE Select); coding-DNA position 46, G replaced by A.
Protein change: p.Glu16Lys; replaces glutamic acid 16 with lysine.
Molecular consequence: missense variant. On other transcripts: intron variant (1).
Genome position (GRCh38, 1-based): chr11:117,338,632, G>A. VCF-style: chr11-117338632-G-A. GRCh37 (hg19) VCF-style: chr11-117209348-G-A.
Other names: c.46G>A, p.Glu16Lys (NM_001271933.2, NM_001440949.1, NM_001440950.1 and 36 more transcripts); c.-57+2952G>A (NM_001440960.1); short protein forms E16K.
Identifiers: ClinVar variation 4982840 (VCV004982840.1).